The following is an entry in ClinVar:

NM_030962.4(SBF2):c.2885T>C (p.Leu962Pro)

Genes: SBF2 (SET binding factor 2; minus strand), LOC101928008 (uncharacterized LOC101928008; plus strand). Cytogenetic location: 11p15.4.
Variant type: single nucleotide variant.
Coding change: c.2885T>C on transcript NM_030962.4 (MANE Select); coding-DNA position 2885, T replaced by C.
Protein change: p.Leu962Pro; replaces leucine 962 with proline.
Molecular consequence: missense variant.
Genome position (GRCh38, 1-based): chr11:9,847,005, A>G on the plus strand (T>C on the coding strand, the complement: SBF2 is on the minus strand). VCF-style: chr11-9847005-A-G. GRCh37 (hg19) VCF-style: chr11-9868552-A-G.
Other names: c.2885T>C, p.Leu962Pro (NM_001386339.1); c.2756T>C, p.Leu919Pro (NM_001386342.1); short protein forms L919P, L962P.
Identifiers: ClinVar variation 1797218 (VCV001797218.2), dbSNP rs2494799285, ClinGen allele CA379633687.

ClinVar aggregate classification (germline): Uncertain significance (1 of 4 stars; one submission).

Conditions:
Inborn genetic diseases. Identifiers: MedGen C0950123, MeSH D030342.

Allele frequency attached by ClinVar (database versions not stated): gnomAD exomes below 0.00001.
gnomAD v4.1: 2 of 1,613,844 alleles (0.00012%); highest among the groups gnomAD compares: Non-Finnish European, 0.00017%; no homozygotes.

Submission:

Ambry Genetics
Classification: Uncertain significance for Inborn genetic diseases. Last evaluated: 2020-02-25. Review status: criteria provided, single submitter. Criteria: Ambry Variant Classification Scheme 2023. Collection method: clinical testing. Allele origin: germline.
Comment: The p.L962P variant (also known as c.2885T>C), located in coding exon 23 of the SBF2 gene, results from a T to C substitution at nucleotide position 2885. The leucine at codon 962 is replaced by proline, an amino acid with similar properties. This amino acid position is well conserved in available vertebrate species. In addition, this alteration is predicted to be deleterious by in silico analysis. Since supporting evidence is limited at this time, the clinical significance of this alteration remains unclear.